The following is an entry in ClinVar:

ClinVar aggregate classification (germline): Uncertain significance (1 of 4 stars; one submission).

Allele frequency attached by ClinVar (database versions not stated): TOPMed below 0.00001; gnomAD 0.00001; gnomAD exomes 0.00001.
gnomAD v4.1: 7 of 1,613,964 alleles (0.00043%); highest among the groups gnomAD compares: Non-Finnish European, 0.00059%; no homozygotes.

Submission:

Labcorp Genetics (formerly Invitae), Labcorp
Classification: Uncertain significance. Last evaluated: 2024-07-22. Review status: criteria provided, single submitter. Criteria: Invitae Variant Classification Sherloc (09022015). Collection method: clinical testing. Allele origin: germline.
Comment: This sequence change replaces leucine, which is neutral and non-polar, with serine, which is neutral and polar, at codon 686 of the XPR1 protein (p.Leu686Ser). This variant is present in population databases (no rsID available, gnomAD 0.007%). This variant has not been reported in the literature in individuals affected with XPR1-related conditions. ClinVar contains an entry for this variant (Variation ID: 1418662). An algorithm developed to predict the effect of missense changes on protein structure and function (PolyPhen-2) suggests that this variant is likely to be tolerated. In summary, the available evidence is currently insufficient to determine the role of this variant in disease. Therefore, it has been classified as a Variant of Uncertain Significance.

NM_004736.4(XPR1):c.2057T>C (p.Leu686Ser)

Gene: XPR1 (xenotropic and polytropic retrovirus receptor 1; plus strand). Cytogenetic location: 1q25.3.
Variant type: single nucleotide variant.
Coding change: c.2057T>C on transcript NM_004736.4 (MANE Select); coding-DNA position 2057, T replaced by C.
Protein change: p.Leu686Ser; replaces leucine 686 with serine.
Molecular consequence: missense variant. On other transcripts: non-coding transcript variant (1).
Genome position (GRCh38, 1-based): chr1:180,884,032, T>C. VCF-style: chr1-180884032-T-C. GRCh37 (hg19) VCF-style: chr1-180853168-T-C.
Other names: c.1862T>C, p.Leu621Ser (NM_001135669.2); short protein forms L621S, L686S.
Identifiers: ClinVar variation 1418662 (VCV001418662.8), dbSNP rs1362653243, ClinGen allele CA343599586.